The following is an entry in ClinVar:

NM_005027.4(PIK3R2):c.292G>T (p.Ala98Ser)

Gene: PIK3R2 (phosphoinositide-3-kinase regulatory subunit 2; plus strand). Cytogenetic location: 19p13.11.
Variant type: single nucleotide variant.
Coding change: c.292G>T on transcript NM_005027.4 (MANE Select); coding-DNA position 292, G replaced by T.
Protein change: p.Ala98Ser; replaces alanine 98 with serine.
Molecular consequence: missense variant. On other transcripts: non-coding transcript variant (2).
Genome position (GRCh38, 1-based): chr19:18,156,171, G>T. VCF-style: chr19-18156171-G-T. GRCh37 (hg19) VCF-style: chr19-18266981-G-T.
Other names: short protein forms A98S.
Identifiers: ClinVar variation 2632216 (VCV002632216.1), dbSNP rs756267462, ClinGen allele CA9306682.
Genomic context (GRCh38, chr19:18,156,171, plus strand): 5'-CTGGGGCCCGTGGCCCTGGCCCGGCCCGGCCCTCGCCCACGGGGCCCCCGCCCACTGCCC[G>T]CCAGGCCCCGTGATGGGGCCCCTGAGCCAGGTGAGCAGCAAGCAGGGGCCCTGGAAAGGG-3'
Protein context (NP_005018.2, residues 88-108): PRPRGPRPLP[Ala98Ser]RPRDGAPEPG

ClinVar aggregate classification (germline): Uncertain significance (1 of 4 stars; one submission).

Conditions:
PIK3R2-related disorder. Also called: PIK3R2-related condition.

gnomAD v4.1: 4 of 1,452,394 alleles (0.00028%); no homozygotes.

Submission:

PreventionGenetics, part of Exact Sciences
Classification: Uncertain significance for PIK3R2-related condition. Last evaluated: 2023-05-30. Review status: criteria provided, single submitter. Criteria: ACMG Guidelines, 2015. Collection method: clinical testing. Allele origin: germline.
Comment: The PIK3R2 c.292G>T variant is predicted to result in the amino acid substitution p.Ala98Ser. To our knowledge, this variant has not been reported in the literature or in a large population database, indicating this variant is rare. At this time, the clinical significance of this variant is uncertain due to the absence of conclusive functional and genetic evidence.